The following is an entry in ClinVar:

NM_001174147.2(LMX1B):c.388C>T (p.Arg130Trp)

Gene: LMX1B (LIM homeobox transcription factor 1 beta; plus strand). Cytogenetic location: 9q33.3.
Variant type: single nucleotide variant.
Coding change: c.388C>T on transcript NM_001174147.2 (MANE Select); coding-DNA position 388, C replaced by T.
Protein change: p.Arg130Trp; replaces arginine 130 with tryptophan.
Molecular consequence: missense variant.
Genome position (GRCh38, 1-based): chr9:126,690,897, C>T. VCF-style: chr9-126690897-C-T. GRCh37 (hg19) VCF-style: chr9-129453176-C-T.
Other names: c.388C>T, p.Arg130Trp (NM_001174146.2, NM_002316.4); short protein forms R130W.
Identifiers: ClinVar variation 4742654 (VCV004742654.1).

ClinVar aggregate classification (germline): Uncertain significance (1 of 4 stars; one submission).

Submission:

Labcorp Genetics (formerly Invitae), Labcorp
Classification: Uncertain significance. Last evaluated: 2025-11-08. Review status: criteria provided, single submitter. Criteria: Invitae Variant Classification Sherloc (09022015). Collection method: clinical testing. Allele origin: germline.
Comment: This sequence change replaces arginine, which is basic and polar, with tryptophan, which is neutral and slightly polar, at codon 130 of the LMX1B protein (p.Arg130Trp). This variant is not present in population databases (gnomAD no frequency). This variant has not been reported in the literature in individuals affected with LMX1B-related conditions. Invitae Evidence Modeling of protein sequence and biophysical properties (such as structural, functional, and spatial information, amino acid conservation, physicochemical variation, residue mobility, and thermodynamic stability) indicates that this missense variant is expected to disrupt LMX1B protein function with a positive predictive value of 80%. In summary, the available evidence is currently insufficient to determine the role of this variant in disease. Therefore, it has been classified as a Variant of Uncertain Significance.